The following is an entry in ClinVar:

ClinVar aggregate classification (germline): Uncertain significance. Review status: criteria provided, multiple submitters, no conflicts (2 of 4 stars). 2 submissions from 2 submitters: Uncertain significance (2). Last evaluated 2025-03-01.

gnomAD v4.1: 3 of 1,614,072 alleles (0.00019%); highest among the groups gnomAD compares: Non-Finnish European, 0.00017%; no homozygotes.

Submissions (2):

Ambry Genetics
Classification: Uncertain significance. Last evaluated: 2025-03-01. Review status: criteria provided, single submitter. Criteria: Ambry Variant Classification Scheme 2023. Collection method: clinical testing. Allele origin: germline.
Comment: The p.Y460C variant (also known as c.1379A>G), located in coding exon 14 of the SRP72 gene, results from an A to G substitution at nucleotide position 1379. The tyrosine at codon 460 is replaced by cysteine, an amino acid with highly dissimilar properties. This amino acid position is conserved. In addition, the in silico prediction for this alteration is inconclusive. Based on the available evidence, the clinical significance of this variant remains unclear.

Labcorp Genetics (formerly Invitae), Labcorp
Classification: Uncertain significance. Last evaluated: 2024-03-24. Review status: criteria provided, single submitter. Criteria: Invitae Variant Classification Sherloc (09022015). Collection method: clinical testing. Allele origin: germline.
Comment: This sequence change replaces tyrosine, which is neutral and polar, with cysteine, which is neutral and slightly polar, at codon 460 of the SRP72 protein (p.Tyr460Cys). This variant is not present in population databases (gnomAD no frequency). This variant has not been reported in the literature in individuals affected with SRP72-related conditions. Advanced modeling of protein sequence and biophysical properties (such as structural, functional, and spatial information, amino acid conservation, physicochemical variation, residue mobility, and thermodynamic stability) performed at Invitae indicates that this missense variant is not expected to disrupt SRP72 protein function with a negative predictive value of 80%. In summary, the available evidence is currently insufficient to determine the role of this variant in disease. Therefore, it has been classified as a Variant of Uncertain Significance.

NM_006947.4(SRP72):c.1379A>G (p.Tyr460Cys)

Gene: SRP72 (signal recognition particle 72; plus strand). Cytogenetic location: 4q12.
Variant type: single nucleotide variant.
Coding change: c.1379A>G on transcript NM_006947.4 (MANE Select); coding-DNA position 1379, A replaced by G.
Protein change: p.Tyr460Cys; replaces tyrosine 460 with cysteine.
Molecular consequence: missense variant. On other transcripts: non-coding transcript variant (1).
Genome position (GRCh38, 1-based): chr4:56,490,391, A>G. VCF-style: chr4-56490391-A-G. GRCh37 (hg19) VCF-style: chr4-57356557-A-G.
Other names: c.1196A>G, p.Tyr399Cys (NM_001267722.2); c.1379A>G (NM_006947.3); short protein forms Y399C, Y460C.
Identifiers: ClinVar variation 3709043 (VCV003709043.3).
Genomic context (GRCh38, chr4:56,490,391, plus strand): 5'-AGCCAAAATCTCCTGCTCATTTGTCCTTGATAAGAGAAGCTGCAAACTTCAAACTCAAAT[A>G]TGGGCGGAAGAAGGAGGCAATTAGTGACCTACAACAGCTGTGGAAGTAAGCTCTGAAACG-3'
Protein context (NP_008878.3, residues 450-470): IREAANFKLK[Tyr460Cys]GRKKEAISDL